The following is an entry in ClinVar:

ClinVar aggregate classification (germline): Conflicting classifications of pathogenicity. Review status: criteria provided, conflicting classifications (1 of 4 stars). 3 submissions from 3 submitters: Uncertain significance (2); Likely benign (1). Last evaluated 2024-12-25.

Conditions:
Pyruvate carboxylase deficiency. Also called: Pyruvate Carboxylase Deficiency Disease; ATAXIA WITH LACTIC ACIDOSIS II; LEIGH NECROTIZING ENCEPHALOPATHY DUE TO PYRUVATE CARBOXYLASE DEFICIENCY; LEIGH SYNDROME DUE TO PYRUVATE CARBOXYLASE DEFICIENCY; PC DEFICIENCY. Identifiers: Orphanet 3008, MedGen C0034341, MONDO:0009949, OMIM 266150.
Inborn genetic diseases. Identifiers: MedGen C0950123, MeSH D030342.

Allele frequency attached by ClinVar (database versions not stated): ExAC 0.00005; TOPMed 0.00012; gnomAD 0.00014; gnomAD exomes 0.00001; ESP Exome Variant Server 0.00023.
gnomAD v4.1: 37 of 1,608,850 alleles (0.0023%); highest among the groups gnomAD compares: African/African-American, 0.039%; no homozygotes.

Submissions (3):

Ambry Genetics
Classification: Uncertain significance for Inborn genetic diseases. Last evaluated: 2024-12-25. Review status: criteria provided, single submitter. Criteria: Ambry Variant Classification Scheme 2023. Collection method: clinical testing. Allele origin: germline.

GeneDx
Classification: Uncertain significance. Last evaluated: 2024-04-10. Review status: criteria provided, single submitter. Criteria: GeneDx Variant Classification Process June 2021. Collection method: clinical testing. Allele origin: germline. Affected: yes.
Comment: In silico analysis supports that this missense variant has a deleterious effect on protein structure/function; Has not been previously published as pathogenic or benign to our knowledge

Labcorp Genetics (formerly Invitae), Labcorp
Classification: Likely benign for Pyruvate carboxylase deficiency. Last evaluated: 2024-03-13. Review status: criteria provided, single submitter. Criteria: Invitae Variant Classification Sherloc (09022015). Collection method: clinical testing. Allele origin: germline.

NM_001040716.2(PC):c.169A>G (p.Thr57Ala)

Gene: PC (pyruvate carboxylase; minus strand). Cytogenetic location: 11q13.2.
Variant type: single nucleotide variant.
Coding change: c.169A>G on transcript NM_001040716.2 (MANE Select); coding-DNA position 169, A replaced by G.
Protein change: p.Thr57Ala; replaces threonine 57 with alanine.
Molecular consequence: missense variant.
Genome position (GRCh38, 1-based): chr11:66,871,839, T>C on the plus strand (A>G on the coding strand, the complement: PC is on the minus strand). VCF-style: chr11-66871839-T-C. GRCh37 (hg19) VCF-style: chr11-66639310-T-C.
Other names: c.169A>G, p.Thr57Ala (NM_000920.4, NM_022172.3); c.169A>G (NM_000920.3); short protein forms T57A.
Identifiers: ClinVar variation 2731691 (VCV002731691.5), dbSNP rs148913798, ClinGen allele CA6132281.